The following is an entry in ClinVar:

NM_003000.3(SDHB):c.399G>C (p.Met133Ile)

Gene: SDHB (succinate dehydrogenase complex iron sulfur subunit B; minus strand). Cytogenetic location: 1p36.13.
Variant type: single nucleotide variant.
Coding change: c.399G>C on transcript NM_003000.3 (MANE Select); coding-DNA position 399, G replaced by C.
Protein change: p.Met133Ile; replaces methionine 133 with isoleucine.
Molecular consequence: missense variant. On other transcripts: intron variant (1).
Genome position (GRCh38, 1-based): chr1:17,028,624, C>G on the plus strand (G>C on the coding strand, the complement: SDHB is on the minus strand). VCF-style: chr1-17028624-C-G. GRCh37 (hg19) VCF-style: chr1-17355119-C-G.
Other names: c.369+30G>C (NM_001407361.1); short protein forms M133I.
Identifiers: ClinVar variation 4864264 (VCV004864264.1).
Genomic context (GRCh38, chr1:17,028,624, plus strand): 5'-AAATAAAAACAAAACCAGAGAGATGCAGAAACTCACGGGAACAAGATCCTTTATCACATA[C>G]ATGTGTGGAAGAGGGTAGATTTTTGAGACCTTATTGAGGTTGGTGTCAATCCTTCGGGTG-3'
Protein context (NP_002991.2, residues 123-143): KVSKIYPLPH[Met133Ile]YVIKDLVPDL

ClinVar aggregate classification (germline): Uncertain significance (1 of 4 stars; one submission).

Conditions:
Hereditary cancer-predisposing syndrome. Also called: Tumor predisposition; Hereditary neoplastic syndrome; Hereditary Cancer Syndrome; Neoplastic Syndromes, Hereditary. Identifiers: Orphanet 140162, MedGen C0027672, MeSH D009386, MONDO:0015356.

Submission:

Ambry Genetics
Classification: Uncertain significance for Hereditary cancer-predisposing syndrome. Last evaluated: 2026-05-05. Review status: criteria provided, single submitter. Criteria: Ambry Variant Classification Scheme 2023. Collection method: clinical testing. Allele origin: germline.
Comment: The p.M133I variant (also known as c.399G>C), located in coding exon 4 of the SDHB gene, results from a G to C substitution at nucleotide position 399. The methionine at codon 133 is replaced by isoleucine, an amino acid with highly similar properties. This amino acid position is highly conserved in available vertebrate species. In addition, this alteration is predicted to be deleterious by in silico analysis. Based on the available evidence, the clinical significance of this variant remains unclear.